The following is an entry in ClinVar:

ClinVar aggregate classification (germline): Pathogenic (1 of 4 stars; one submission).

Conditions:
Arrhythmogenic cardiomyopathy with wooly hair and keratoderma. Also called: PALMOPLANTAR KERATODERMA WITH LEFT VENTRICULAR CARDIOMYOPATHY AND WOOLLY HAIR; Carvajal syndrome; Dilated cardiomyopathy with woolly hair and keratoderma; Arrhythmogenic cardiomyopathy with woolly hair and keratoderma. Identifiers: Orphanet 65282, MedGen C1854063, MONDO:0011581, OMIM 605676.
Arrhythmogenic right ventricular dysplasia 8 (ARVD8). Also called: Arrhythmogenic Right Ventricular Dysplasia/Cardiomyopathy 8; ARRHYTHMOGENIC RIGHT VENTRICULAR DYSPLASIA, FAMILIAL, 8; ARRHYTHMOGENIC RIGHT VENTRICULAR CARDIOMYOPATHY 8. Identifiers: MedGen C1843896, MONDO:0011831, OMIM 607450.

Submission:

Labcorp Genetics (formerly Invitae), Labcorp
Classification: Pathogenic for Arrhythmogenic cardiomyopathy with wooly hair and keratoderma; Arrhythmogenic right ventricular dysplasia 8. Last evaluated: 2023-09-24. Review status: criteria provided, single submitter. Criteria: Invitae Variant Classification Sherloc (09022015). Collection method: clinical testing. Allele origin: germline.
Comment: For these reasons, this variant has been classified as Pathogenic. This variant has not been reported in the literature in individuals affected with DSP-related conditions. This variant is not present in population databases (gnomAD no frequency). This sequence change creates a premature translational stop signal (p.Met924Ilefs*5) in the DSP gene. It is expected to result in an absent or disrupted protein product. Loss-of-function variants in DSP are known to be pathogenic (PMID: 20716751, 24503780, 25227139).

Literature cited by the submitters: PubMed 20716751; PubMed 24503780; PubMed 25227139.

NM_004415.4(DSP):c.2770_2771dup (p.Met924fs)

Gene: DSP (desmoplakin; plus strand). Cytogenetic location: 6p24.3.
Variant type: Duplication.
Coding change: c.2770_2771dup on transcript NM_004415.4 (MANE Select); coding-DNA positions 2770 to 2771, 2 bases duplicated (AT; older notation c.2770_2771dupAT).
Protein change: p.Met924fs; shifts the reading frame from methionine 924.
Molecular consequence: frameshift variant.
Genome position (GRCh38, 1-based): chr6:7,576,433-7,576,434, AT duplicated. VCF-style (leftmost placement, unchanged base first): chr6-7576432-C-CAT. GRCh37 (hg19) VCF-style: chr6-7576665-C-CAT.
Other names: c.2770_2771dup, p.Met924fs (NM_001008844.3, NM_001319034.2); short protein forms M924fs.
Identifiers: ClinVar variation 2952222 (VCV002952222.3), dbSNP rs2533911715, ClinGen allele CA2740094243.